The following is an entry in ClinVar:

ClinVar aggregate classification (germline): Uncertain significance (1 of 4 stars; one submission).

gnomAD v4.1: 2 of 1,599,938 alleles (0.00013%); highest among the groups gnomAD compares: African/African-American, 0.0013%; no homozygotes.

Submission:

Labcorp Genetics (formerly Invitae), Labcorp
Classification: Uncertain significance. Last evaluated: 2024-09-22. Review status: criteria provided, single submitter. Criteria: Invitae Variant Classification Sherloc (09022015). Collection method: clinical testing. Allele origin: germline.
Comment: This sequence change replaces glutamic acid, which is acidic and polar, with lysine, which is basic and polar, at codon 112 of the C1QTNF5 protein (p.Glu112Lys). This variant is not present in population databases (gnomAD no frequency). This variant has not been reported in the literature in individuals affected with C1QTNF5-related conditions. An algorithm developed to predict the effect of missense changes on protein structure and function (PolyPhen-2) suggests that this variant is likely to be disruptive. In summary, the available evidence is currently insufficient to determine the role of this variant in disease. Therefore, it has been classified as a Variant of Uncertain Significance.

NM_001278431.2(C1QTNF5):c.334G>A (p.Glu112Lys)

Genes: C1QTNF5 (C1q and TNF related 5; minus strand), MFRP (membrane frizzled-related protein; minus strand). Cytogenetic location: 11q23.3.
Variant type: single nucleotide variant.
Coding change: c.334G>A on transcript NM_001278431.2 (MANE Select); coding-DNA position 334, G replaced by A.
Protein change: p.Glu112Lys; replaces glutamic acid 112 with lysine.
Molecular consequence: missense variant. On other transcripts: 3 prime UTR variant (1).
Genome position (GRCh38, 1-based): chr11:119,339,729, C>T on the plus strand (G>A on the coding strand, the complement: C1QTNF5 is on the minus strand). VCF-style: chr11-119339729-C-T. GRCh37 (hg19) VCF-style: chr11-119210439-C-T.
Other names: c.334G>A, p.Glu112Lys (NM_015645.5); c.*1230G>A (NM_031433.4); short protein forms E112K.
Identifiers: ClinVar variation 3677098 (VCV003677098.2).